The following is an entry in ClinVar:

NM_001077653.2(TBX20):c.796G>C (p.Ala266Pro)

Gene: TBX20 (T-box transcription factor 20; minus strand). Cytogenetic location: 7p14.2.
Variant type: single nucleotide variant.
Coding change: c.796G>C on transcript NM_001077653.2 (MANE Select); coding-DNA position 796, G replaced by C.
Protein change: p.Ala266Pro; replaces alanine 266 with proline.
Molecular consequence: missense variant.
Genome position (GRCh38, 1-based): chr7:35,240,896, C>G on the plus strand (G>C on the coding strand, the complement: TBX20 is on the minus strand). VCF-style: chr7-35240896-C-G. GRCh37 (hg19) VCF-style: chr7-35280508-C-G.
Other names: c.796G>C, p.Ala266Pro (NM_001166220.1); short protein forms A266P.
Identifiers: ClinVar variation 1313273 (VCV001313273.2), dbSNP rs2128714634, ClinGen allele CA367263919.
Genomic context (GRCh38, chr7:35,240,896, plus strand): 5'-TCCTTCTCTTATGCAGGAACTAAATTGTGAACTGTACACTCACCAGTTGATTCTGGTAGG[C>G]AGTGACTGCCGTAAAAACTGTTTCTGGAAAGATGAAAGTTCTAAATTCTTCAGACTTCAG-3'
Protein context (NP_001071121.1, residues 256-276): FPETVFTAVT[Ala266Pro]YQNQLITKLK

ClinVar aggregate classification (germline): Uncertain significance (1 of 4 stars; one submission).

Submission:

GeneDx
Classification: Uncertain significance. Last evaluated: 2020-10-23. Review status: criteria provided, single submitter. Criteria: GeneDx Variant Classification Process June 2021. Collection method: clinical testing. Allele origin: germline. Affected: yes.
Comment: Not observed in large population cohorts (Lek et al., 2016); In silico analysis supports that this missense variant has a deleterious effect on protein structure/function; Has not been previously published as pathogenic or benign to our knowledge